The following is an entry in ClinVar:

NR_001566.3(TERC):n.212C>T

Genes: TERC (telomerase RNA component; minus strand), LOC110806306 (telomerase RNA component (TERC) promoter; plus strand). Cytogenetic location: 3q26.2.
Variant type: single nucleotide variant.
Molecular consequence: non-coding transcript variant (on NR_001566.3).
Genome position: GRCh38 VCF-style: chr3-169764849-G-A. GRCh37 (hg19) VCF-style: chr3-169482637-G-A.
Identifiers: ClinVar variation 4845384 (VCV004845384.3).

ClinVar aggregate classification (germline): Likely pathogenic (1 of 4 stars; one submission).

Conditions:
Pulmonary fibrosis and/or bone marrow failure, Telomere-related, 2. Also called: PULMONARY FIBROSIS AND/OR BONE MARROW FAILURE SYNDROME, TELOMERE-RELATED, 2. Identifiers: Orphanet 88, MedGen C3553622, MONDO:0013879, OMIM 614743.

Submission:

Institute of Human Genetics, University of Leipzig Medical Center
Classification: Likely pathogenic for Pulmonary fibrosis and/or bone marrow failure, Telomere-related, 2. Last evaluated: 2026-06-03. Review status: criteria provided, single submitter. Criteria: ACMG Guidelines, 2015. Collection method: clinical testing. Allele origin: unknown. Inheritance: Autosomal dominant inheritance. Affected: yes.
Comment: Criteria applied: PM2,PP4_MOD,PS1_SUP,PP3